The following is an entry in ClinVar:

ClinVar aggregate classification (germline): Benign. Review status: criteria provided, multiple submitters, no conflicts (2 of 4 stars). 2 submissions from 2 submitters: Benign (2). Last evaluated 2018-06-14.

Allele frequency attached by ClinVar (database versions not stated): gnomAD 0.23004 and 0.23536; TOPMed 0.24544; gnomAD exomes 0.25147; 1000 Genomes Project 0.26558; 1000 Genomes Project 30x 0.29263.
gnomAD v4.1: 189,124 of 760,652 alleles (25%); highest among the groups gnomAD compares: East Asian, 47%; 25,682 homozygotes.

Submissions (2):

GeneDx
Classification: Benign. Last evaluated: 2018-06-14. Review status: criteria provided, single submitter. Criteria: GeneDx Variant Classification (06012015). Collection method: clinical testing. Allele origin: germline. Affected: yes.
Comment: This variant is considered likely benign or benign based on one or more of the following criteria: it is a conservative change, it occurs at a poorly conserved position in the protein, it is predicted to be benign by multiple in silico algorithms, and/or has population frequency not consistent with disease.

Breakthrough Genomics
Classification: Benign. Review status: criteria provided, single submitter. Criteria: ACMG Guidelines, 2015. Collection method: not provided. Allele origin: germline. Inheritance: Autosomal recessive inheritance. Affected: yes.

NM_013382.7(POMT2):c.817-121C>T

Gene: POMT2 (protein O-mannosyltransferase 2; minus strand). Cytogenetic location: 14q24.3.
Variant type: single nucleotide variant.
Coding change: c.817-121C>T on transcript NM_013382.7 (MANE Select); 121 bases into the intron before coding-DNA position 817, C replaced by T.
Molecular consequence: intron variant.
Genome position (GRCh38, 1-based): chr14:77,299,682, G>A on the plus strand (C>T on the coding strand, the complement: POMT2 is on the minus strand). VCF-style: chr14-77299682-G-A. GRCh37 (hg19) VCF-style: chr14-77766025-G-A.
Identifiers: ClinVar variation 668035 (VCV000668035.2), dbSNP rs2287389, ClinGen allele CA15809120.